The following is an entry in ClinVar:

ClinVar aggregate classification (germline): Pathogenic/Likely pathogenic. Review status: criteria provided, multiple submitters, no conflicts (2 of 4 stars). 3 submissions from 3 submitters: Pathogenic (2); Likely pathogenic (1). Last evaluated 2024-02-27.

Conditions:
Diamond-Blackfan anemia. Also called: Blackfan Diamond syndrome; Aregenerative anemia chronic congenital; Red cell aplasia, pure hereditary; Congenital hypoplastic anemia; Aase syndrome. Identifiers: Orphanet 124, MedGen C1260899, MeSH D029503, MONDO:0015253, HP:0004810.

Submissions (3):

Labcorp Genetics (formerly Invitae), Labcorp
Classification: Likely pathogenic for Diamond-Blackfan anemia. Last evaluated: 2024-02-27. Review status: criteria provided, single submitter. Criteria: Invitae Variant Classification Sherloc (09022015). Collection method: clinical testing. Allele origin: germline.
Comment: This sequence change affects an acceptor splice site in intron 2 of the RPL5 gene. It is expected to disrupt RNA splicing. Variants that disrupt the donor or acceptor splice site typically lead to a loss of protein function (PMID: 16199547), and loss-of-function variants in RPL5 are known to be pathogenic (PMID: 19061985, 19773262). This variant is not present in population databases (gnomAD no frequency). Disruption of this splice site has been observed in individual(s) with clinical features of Diamond-Blackfan anemia (PMID: 19191325). ClinVar contains an entry for this variant (Variation ID: 870662). Algorithms developed to predict the effect of sequence changes on RNA splicing suggest that this variant may disrupt the consensus splice site. In summary, the currently available evidence indicates that the variant is pathogenic, but additional data are needed to prove that conclusively. Therefore, this variant has been classified as Likely Pathogenic.

GeneDx
Classification: Pathogenic. Last evaluated: 2023-05-09. Review status: criteria provided, single submitter. Criteria: GeneDx Variant Classification Process June 2021. Collection method: clinical testing. Allele origin: germline. Affected: yes.
Comment: Identified in a mother and son with personal and family histories of Diamond-Blackfan anemia (Cmejla et al., 2009); Not observed at significant frequency in large population cohorts (gnomAD); Canonical splice site variant predicted to result in a null allele in a gene for which loss of function is a known mechanism of disease; This variant is associated with the following publications: (PMID: 19191325)

CeGaT Center for Human Genetics Tuebingen
Classification: Pathogenic. Last evaluated: 2018-09-01. Review status: criteria provided, single submitter. Criteria: CeGaT Center For Human Genetics Tuebingen Variant Classification Criteria Version 2. Collection method: clinical testing. Allele origin: germline. Affected: yes. Observed: 1 variant allele.

Literature cited by the submitters: PubMed 16199547 (cited by Labcorp Genetics (formerly Invitae), Labcorp); PubMed 19061985 (cited by Labcorp Genetics (formerly Invitae), Labcorp); PubMed 19773262 (cited by Labcorp Genetics (formerly Invitae), Labcorp); PubMed 19191325 (cited by Labcorp Genetics (formerly Invitae), Labcorp).

NM_000969.5(RPL5):c.74-1G>A

Genes: DIPK1A (divergent protein kinase domain 1A; minus strand), RPL5 (ribosomal protein L5; plus strand). Cytogenetic location: 1p22.1.
Variant type: single nucleotide variant.
Coding change: c.74-1G>A on transcript NM_000969.5 (MANE Select); the canonical splice acceptor site of the intron before coding-DNA position 74, G replaced by A.
Molecular consequence: splice acceptor variant. On other transcripts: intron variant (1).
Genome position (GRCh38, 1-based): chr1:92,833,544, G>A. VCF-style: chr1-92833544-G-A. GRCh37 (hg19) VCF-style: chr1-93299101-G-A.
Other names: c.475-510C>T (NM_001252273.2).
Identifiers: ClinVar variation 870662 (VCV000870662.42), dbSNP rs1553284997, ClinGen allele CA341240797.